The following is an entry in ClinVar:

NM_133433.4(NIPBL):c.4746ACT[3] (p.Leu1585dup)

Gene: NIPBL (NIPBL cohesin loading factor; plus strand). Cytogenetic location: 5p13.2.
Variant type: Microsatellite.
Coding change: c.4746ACT[3] on transcript NM_133433.4 (MANE Select); three copies in a row of the 3-base unit ACT starting at c.4746; the reference has two copies in a row; one copy, 3 bases duplicated.
Protein change: p.Leu1585dup; duplicates leucine 1585.
Molecular consequence: inframe insertion.
Genome position (GRCh38, 1-based): chr5:37,016,143-37,016,145, ACT duplicated; duplicating any 3 consecutive bases within chr5:37,016,140-37,016,145 gives the same sequence; the position shown is the placement nearest the transcript's 3' end. VCF-style (leftmost placement, unchanged base first): chr5-37016139-A-AACT. GRCh37 (hg19) VCF-style: chr5-37016241-A-AACT.
Other names: c.4746ACT[3], p.Leu1585dup (NM_015384.5).
Identifiers: ClinVar variation 842418 (VCV000842418.9), dbSNP rs1748964402, ClinGen allele CA916082698.

ClinVar aggregate classification (germline): Likely pathogenic (1 of 4 stars; one submission).

Conditions:
Cornelia de Lange syndrome 1 (CDLS1). Also called: TYPUS DEGENERATIVUS AMSTELODAMENSIS; NIPBL-Related Cornelia de Lange Syndrome; Brachmann de Lange syndrome. Identifiers: Orphanet 199, MedGen C4551851, MONDO:0007387, OMIM 122470.

Submission:

Labcorp Genetics (formerly Invitae), Labcorp
Classification: Likely pathogenic for Cornelia de Lange syndrome 1. Last evaluated: 2019-11-20. Review status: criteria provided, single submitter. Criteria: Invitae Variant Classification Sherloc (09022015). Collection method: clinical testing. Allele origin: germline.
Comment: In summary, the currently available evidence indicates that the variant is pathogenic, but additional data are needed to prove that conclusively. Therefore, this variant has been classified as Likely Pathogenic. Experimental studies and prediction algorithms are not available or were not evaluated, and the functional significance of this variant is currently unknown. This variant has been observed in individual(s) with clinical features of Cornelia de Lange syndrome (Invitae). In at least one individual the variant was observed to be de novo. This variant is not present in population databases (ExAC no frequency). This variant, c.4749_4751dup, results in the insertion of 1 amino acid(s) to the NIPBL protein (p.Leu1585dup), but otherwise preserves the integrity of the reading frame.